The following is an entry in ClinVar:

NM_000059.4(BRCA2):c.1745C>T (p.Thr582Ile)

Gene: BRCA2 (BRCA2 DNA repair associated; plus strand). Cytogenetic location: 13q13.1.
Variant type: single nucleotide variant.
Coding change: c.1745C>T on transcript NM_000059.4 (MANE Select); coding-DNA position 1745, C replaced by T.
Protein change: p.Thr582Ile; replaces threonine 582 with isoleucine.
Molecular consequence: missense variant. On other transcripts: non-coding transcript variant (1), intron variant (1).
Genome position (GRCh38, 1-based): chr13:32,333,223, C>T. VCF-style: chr13-32333223-C-T. GRCh37 (hg19) VCF-style: chr13-32907360-C-T.
Other names: c.1745C>T, p.Thr582Ile (NM_001406719.1, NM_001406720.1, NM_001406721.1); c.424+2193C>T (NM_001406722.1); short protein forms T582I.
Identifiers: ClinVar variation 2694469 (VCV002694469.3), dbSNP rs2137474446, ClinGen allele CA387765471.

ClinVar aggregate classification (germline): Uncertain significance (1 of 4 stars; one submission).

Conditions:
Hereditary breast ovarian cancer syndrome. Also called: Hereditary breast and ovarian cancer syndrome (HBOC); Breast and ovarian cancer; Hereditary breast and ovarian cancer; Hereditary breast and ovarian cancer syndrome; BRCA1- and BRCA2-Associated Hereditary Breast and Ovarian Cancer; Hereditary breast and/or ovarian cancer syndrome. Identifiers: Orphanet 145, MedGen C0677776, MeSH D061325, MONDO:0003582. Disease mechanism: loss of function.

Submission:

Labcorp Genetics (formerly Invitae), Labcorp
Classification: Uncertain significance for Hereditary breast ovarian cancer syndrome. Last evaluated: 2023-11-09. Review status: criteria provided, single submitter. Criteria: Invitae Variant Classification Sherloc (09022015). Collection method: clinical testing. Allele origin: germline.
Comment: This sequence change replaces threonine, which is neutral and polar, with isoleucine, which is neutral and non-polar, at codon 582 of the BRCA2 protein (p.Thr582Ile). This variant is not present in population databases (gnomAD no frequency). This variant has not been reported in the literature in individuals affected with BRCA2-related conditions. Advanced modeling of protein sequence and biophysical properties (such as structural, functional, and spatial information, amino acid conservation, physicochemical variation, residue mobility, and thermodynamic stability) performed at Invitae indicates that this missense variant is not expected to disrupt BRCA2 protein function with a negative predictive value of 95%. In summary, the available evidence is currently insufficient to determine the role of this variant in disease. Therefore, it has been classified as a Variant of Uncertain Significance.